The following is an entry in ClinVar:

NM_001042492.3(NF1):c.107C>G (p.Thr36Ser)

Gene: NF1 (neurofibromin 1; plus strand). Cytogenetic location: 17q11.2.
Variant type: single nucleotide variant.
Coding change: c.107C>G on transcript NM_001042492.3 (MANE Select); coding-DNA position 107, C replaced by G.
Protein change: p.Thr36Ser; replaces threonine 36 with serine.
Molecular consequence: missense variant.
Genome position (GRCh38, 1-based): chr17:31,156,029, C>G. VCF-style: chr17-31156029-C-G. GRCh37 (hg19) VCF-style: chr17-29483047-C-G.
Other names: c.107C>G, p.Thr36Ser (NM_000267.4, NM_001128147.3); short protein forms T36S.
Identifiers: ClinVar variation 141048 (VCV000141048.58), dbSNP rs199966218, ClinGen allele CA164315.

ClinVar aggregate classification (germline): Conflicting classifications of pathogenicity. Review status: criteria provided, conflicting classifications (1 of 4 stars). 14 submissions from 13 submitters: Uncertain significance (2); Benign (2); Likely benign (7). 3 of the submissions do not count toward it. Last evaluated 2026-03-01.

Conditions:
NF1-related disorder. Also called: NF1-related condition. Identifiers: MedGen CN379171.
Hereditary cancer-predisposing syndrome. Also called: Tumor predisposition; Hereditary neoplastic syndrome; Hereditary Cancer Syndrome; Neoplastic Syndromes, Hereditary. Identifiers: Orphanet 140162, MedGen C0027672, MeSH D009386, MONDO:0015356.
Cardiovascular phenotype. Identifiers: MedGen CN230736.
Neurofibromatosis, type 1 (NF1). Also called: NEUROFIBROMATOSIS, TYPE I, SOMATIC; VON RECKLINGHAUSEN DISEASE; Neurofibromatosis, type I; Peripheral type neurofibromatosis. Identifiers: Orphanet 636, MedGen C0027831, MONDO:0018975, OMIM 162200. Disease mechanism: loss of function.

Allele frequency attached by ClinVar (database versions not stated): TOPMed 0.00009; gnomAD 0.00015 and 0.00018; 1000 Genomes Project 30x 0.00016; 1000 Genomes Project 0.00020; ExAC 0.00028; ESP Exome Variant Server 0.00031.
gnomAD v4.1: 239 of 1,612,962 alleles (0.015%); highest among the groups gnomAD compares: Middle Eastern, 0.017%; no homozygotes.

Submissions (14):

CeGaT Center for Human Genetics Tuebingen
Classification: Likely benign. Last evaluated: 2026-03-01. Review status: criteria provided, single submitter. Criteria: CeGaT Center For Human Genetics Tuebingen Variant Classification Criteria Version 2. Collection method: clinical testing. Allele origin: germline. Affected: yes. Observed: 3 variant alleles.
Comment: NF1: BS1

Labcorp Genetics (formerly Invitae), Labcorp
Classification: Likely benign for Neurofibromatosis, type 1. Last evaluated: 2026-01-30. Review status: criteria provided, single submitter. Criteria: Invitae Variant Classification Sherloc (09022015). Collection method: clinical testing. Allele origin: germline.

Women's Health and Genetics/Laboratory Corporation of America, LabCorp
Classification: Likely benign. Last evaluated: 2025-02-02. Review status: criteria provided, single submitter. Criteria: LabCorp Variant Classification Summary - May 2015. Collection method: clinical testing. Allele origin: germline.
Comment: Variant summary: NF1 c.107C>G (p.Thr36Ser) results in a conservative amino acid change in the encoded protein sequence. Four of five in-silico tools predict a benign effect of the variant on protein function. The variant allele was found at a frequency of 0.00027 in 251066 control chromosomes. The observed variant frequency is approximately 1.32 fold of the estimated maximal expected allele frequency for a pathogenic variant in NF1 causing Neurofibromatosis Type 1 phenotype (0.00021). c.107C>G has been reported in the literature in individuals affected with Neurofibromatosis Type 1, in at-least one family the variant was inherited from unaffected mother (e.g. Cai_2005,Martorana_2023). These report(s) do not provide unequivocal conclusions about association of the variant with Neurofibromatosis Type 1. To our knowledge, no experimental evidence demonstrating an impact on protein function has been reported. The following publications have been ascertained in the context of this evaluation (PMID: 16005615, 27848944, 37751797). To our knowledge, no experimental evidence demonstrating an impact on protein function has been reported. ClinVar contains an entry for this variant (Variation ID: 141048). Based on the evidence outlined above, the variant was classified as likely benign.

Blueprint Genetics
Classification: Likely benign. Last evaluated: 2024-10-23. Review status: criteria provided, single submitter. Criteria: ACMG Guidelines, 2015. Collection method: clinical testing. Allele origin: germline.

Institute for Biomarker Research, Medical Diagnostic Laboratories, L.L.C.
Classification: Benign for Hereditary cancer-predisposing syndrome. Last evaluated: 2023-10-03. Review status: criteria provided, single submitter. Criteria: ACMG Guidelines, 2015. Collection method: clinical testing. Allele origin: germline.

Medical Genetics, University of Parma
Classification: Benign for Neurofibromatosis, type 1. Last evaluated: 2022-08-17. Review status: criteria provided, single submitter. Criteria: ACMG Guidelines, 2015. Collection method: clinical testing. Allele origin: germline. Inheritance: Autosomal dominant inheritance. Affected: yes.

Revvity Omics, Revvity
Classification: Uncertain significance. Last evaluated: 2022-05-04. Review status: criteria provided, single submitter. Criteria: ACMG Guidelines, 2015. Collection method: clinical testing. Allele origin: germline.

Sema4
Classification: Likely benign for Hereditary cancer-predisposing syndrome. Last evaluated: 2021-04-27. Review status: criteria provided, single submitter. Criteria: Sema4 Curation Guidelines. Collection method: curation. Allele origin: germline.

GeneDx
Classification: Likely benign. Last evaluated: 2021-02-05. Review status: criteria provided, single submitter. Criteria: GeneDx Variant Classification Process June 2021. Collection method: clinical testing. Allele origin: germline. Affected: yes.
Comment: This variant is associated with the following publications: (PMID: 24803665, 16005615)

Ambry Genetics
Classification: Likely benign for Cardiovascular phenotype; Hereditary cancer-predisposing syndrome. Last evaluated: 2018-05-31. Review status: criteria provided, single submitter. Criteria: Ambry Variant Classification Scheme 2023. Collection method: clinical testing. Allele origin: germline.

Ambry Genetics
Classification: Uncertain significance for Hereditary cancer-predisposing syndrome. Last evaluated: 2016-02-10. Review status: criteria provided, single submitter. Criteria: Ambry Autosomal Dominant and X-Linked criteria (10/2015). Collection method: clinical testing. Allele origin: germline. Observed: 1 variant allele.
Comment: The p.T36S variant (also known as c.107C>G), located in coding exon 2 of the NF1 gene, results from a C to G substitution at nucleotide position 107. The threonine at codon 36 is replaced by serine, an amino acid with similar properties. This variant was previously reported in two members of one Chinese Han family affected with NF1, but not detected in one unaffected member of same family, or in 110 healthy controls (Cai Y et al. J. Dermatol. Sci. 2005; 39:125-7). This variant was previously reported in the SNPDatabase as rs199966218. Based on data from the 1000 Genomes Project, the G allele has an overall frequency of approximately 0.05% (1/2098) total alleles studied. The highest observed frequency was 0.54% (1/186) Finnish alleles. Based on data from the NHLBI Exome Sequencing Project (ESP), the G allele has an overall frequency of approximately 0.03% (4/13006) total alleles studied and 0.05% (4/8600) European American alleles. To date, this alteration has been detected with an allele frequency of approximately 0.017% (greater than 110000 alleles tested) in our clinical cohort. This amino acid position is highly conserved in available vertebrate species. In addition, the in silico prediction for this alteration is inconclusive. Since supporting evidence is limited at this time, the clinical significance of p.T36S remains unclear.Ã¢â‚¬â€¹

PreventionGenetics, part of Exact Sciences
Classification: Likely benign for NF1-related condition. Last evaluated: 2022-03-04. Review status: no assertion criteria provided. Collection method: clinical testing. Allele origin: germline. Not counted in ClinVar's aggregate classification.
Comment: This variant is classified as likely benign based on ACMG/AMP sequence variant interpretation guidelines (Richards et al. 2015 PMID: 25741868, with internal and published modifications).

Clinical Genetics DNA and cytogenetics Diagnostics Lab, Erasmus MC, Erasmus Medical Center
Classification: Likely benign. Review status: no assertion criteria provided. Collection method: clinical testing. Allele origin: germline. Affected: yes. Study: VKGL Data-share Consensus. Not counted in ClinVar's aggregate classification.

Genome Diagnostics Laboratory, Amsterdam University Medical Center
Classification: Likely benign. Review status: no assertion criteria provided. Collection method: clinical testing. Allele origin: germline. Affected: yes. Study: VKGL Data-share Consensus. Not counted in ClinVar's aggregate classification.

Literature cited by the submitters: PubMed 10678181 (cited by Women's Health and Genetics/Laboratory Corporation of America, LabCorp); PubMed 23460398 (cited by Women's Health and Genetics/Laboratory Corporation of America, LabCorp); PubMed 29872168 (cited by Women's Health and Genetics/Laboratory Corporation of America, LabCorp); PubMed 27848944 (cited by Women's Health and Genetics/Laboratory Corporation of America, LabCorp); PubMed 16005615 (cited by Women's Health and Genetics/Laboratory Corporation of America, LabCorp and Ambry Genetics); PubMed 27069254 (cited by Women's Health and Genetics/Laboratory Corporation of America, LabCorp); PubMed 37751797 (cited by Women's Health and Genetics/Laboratory Corporation of America, LabCorp).